The following is an entry in ClinVar:

NM_000373.4(UMPS):c.*3732C>T

Gene: UMPS (uridine monophosphate synthetase; plus strand). Cytogenetic location: 3q21.2.
Variant type: single nucleotide variant.
Coding change: c.*3732C>T on transcript NM_000373.4 (MANE Select); 3732 bases downstream of the stop codon, C replaced by T.
Molecular consequence: 3 prime UTR variant. On other transcripts: non-coding transcript variant (2).
Genome position (GRCh38, 1-based): chr3:124,747,816, C>T. VCF-style: chr3-124747816-C-T. GRCh37 (hg19) VCF-style: chr3-124466663-C-T.
Identifiers: ClinVar variation 343014 (VCV000343014.5), dbSNP rs111966656, ClinGen allele CA2582133.
Genomic context (GRCh38, chr3:124,747,816, plus strand): 5'-ACCAGGAACCAGTCTTCTGCCTTCCCAACCATCACCTCTGGCTGCATCAGCGATCTCTCC[C>T]AGCGAAATAGCTGCTTGGTCTTGTGTGAATCCTGTACTTTAACACAGTGGACCAAGTGTC-3'

ClinVar aggregate classification (germline): Likely benign (1 of 4 stars; one submission).

Conditions:
Oroticaciduria. Also called: Orotic aciduria. Identifiers: Orphanet 30, MedGen C0268128, HP:0003218.

Allele frequency attached by ClinVar (database versions not stated): ExAC 0.00056; gnomAD exomes 0.00093 and 0.00150; gnomAD 0.00840 and 0.00908; TOPMed 0.00927; 1000 Genomes Project 30x 0.00999; 1000 Genomes Project 0.00938.
gnomAD v4.1: 1,552 of 451,952 alleles (0.34%); highest among the groups gnomAD compares: African/African-American, 2.9%; 19 homozygotes.

Submission:

Illumina Laboratory Services, Illumina
Classification: Likely benign for Hereditary orotic aciduria. Last evaluated: 2018-01-12. Review status: criteria provided, single submitter. Criteria: ICSL Variant Classification Criteria 13 December 2019. Collection method: clinical testing. Allele origin: germline.
Comment: This variant was observed in the ICSL laboratory as part of a predisposition screen in an ostensibly healthy population. It had not been previously curated by ICSL or reported in the Human Gene Mutation Database (HGMD: prior to June 1st, 2018), and was therefore a candidate for classification through an automated scoring system. Utilizing variant allele frequency, disease prevalence and penetrance estimates, and inheritance mode, an automated score was calculated to assess if this variant is too frequent to cause the disease. Based on the score and internal cut-off values, a variant classified as likely benign is not then subjected to further curation. The score for this variant resulted in a classification of likely benign for this disease.